The following is an entry in ClinVar:

ClinVar aggregate classification (germline): Uncertain significance. Review status: criteria provided, multiple submitters, no conflicts (2 of 4 stars). 4 submissions from 4 submitters: Uncertain significance (4). Last evaluated 2026-04-22.

Conditions:
Episodic ataxia type 2 (EA2). Also called: ATAXIA, EPISODIC, WITH NYSTAGMUS; ATAXIA, FAMILIAL PAROXYSMAL; CEREBELLAR ATAXIA, PAROXYSMAL, ACETAZOLAMIDE-RESPONSIVE; CEREBELLOPATHY, HEREDITARY PAROXYSMAL; ACETAZOLAMIDE-RESPONSIVE HEREDITARY PAROXYSMAL CEREBELLAR ATAXIA; EPISODIC ATAXIA, NYSTAGMUS-ASSOCIATED. Identifiers: Orphanet 97, MedGen C1720416, MONDO:0007163, OMIM 108500.
Developmental and epileptic encephalopathy, 42 (DEE42A). Also called: DEVELOPMENTAL AND EPILEPTIC ENCEPHALOPATHY 42A; EPILEPTIC ENCEPHALOPATHY, EARLY INFANTILE, 42A; Epileptic encephalopathy, early infantile, 42. Identifiers: MedGen C4310716, MONDO:0014917, OMIM 617106.

Allele frequency attached by ClinVar (database versions not stated): TOPMed below 0.00001.
gnomAD v4.1: 18 of 1,610,600 alleles (0.0011%); highest among the groups gnomAD compares: Non-Finnish European, 0.0014%; no homozygotes.

Submissions (4):

Women's Health and Genetics/Laboratory Corporation of America, LabCorp
Classification: Uncertain significance. Last evaluated: 2026-04-22. Review status: criteria provided, single submitter. Criteria: LabCorp Variant Classification Summary - May 2015. Collection method: clinical testing. Allele origin: germline.
Comment: Variant summary: CACNA1A c.1105C>T (p.Arg369Trp) results in a non-conservative amino acid change in the encoded protein sequence. Algorithms developed to predict the effect of missense changes on protein structure and function are either unavailable or do not agree on the potential impact of this missense change. The variant was absent in 249286 control chromosomes. The available data on variant occurrences in the general population are insufficient to allow any conclusion about variant significance. To our knowledge, no occurrence of c.1105C>T in individuals affected with CACNA1A-related conditions and no experimental evidence demonstrating its impact on protein function have been reported. ClinVar contains an entry for this variant (Variation ID: 392363). Based on the evidence outlined above, the variant was classified as uncertain significance.

Labcorp Genetics (formerly Invitae), Labcorp
Classification: Uncertain significance for Developmental and epileptic encephalopathy, 42; Episodic ataxia type 2. Last evaluated: 2024-07-11. Review status: criteria provided, single submitter. Criteria: Invitae Variant Classification Sherloc (09022015). Collection method: clinical testing. Allele origin: germline.
Comment: This sequence change replaces arginine, which is basic and polar, with tryptophan, which is neutral and slightly polar, at codon 369 of the CACNA1A protein (p.Arg369Trp). This variant is not present in population databases (gnomAD no frequency). This variant has not been reported in the literature in individuals affected with CACNA1A-related conditions. ClinVar contains an entry for this variant (Variation ID: 392363). Advanced modeling of protein sequence and biophysical properties (such as structural, functional, and spatial information, amino acid conservation, physicochemical variation, residue mobility, and thermodynamic stability) performed at Invitae indicates that this missense variant is expected to disrupt CACNA1A protein function with a positive predictive value of 80%. In summary, the available evidence is currently insufficient to determine the role of this variant in disease. Therefore, it has been classified as a Variant of Uncertain Significance.

GeneDx
Classification: Uncertain significance. Last evaluated: 2023-12-29. Review status: criteria provided, single submitter. Criteria: GeneDx Variant Classification Process June 2021. Collection method: clinical testing. Allele origin: germline. Affected: yes.
Comment: Not observed at significant frequency in large population cohorts (gnomAD); In silico analysis supports that this missense variant has a deleterious effect on protein structure/function; Has not been previously published as pathogenic or benign to our knowledge

Baylor Genetics
Classification: Uncertain significance for Episodic ataxia type 2. Last evaluated: 2023-07-19. Review status: criteria provided, single submitter. Criteria: ACMG Guidelines, 2015. Collection method: clinical testing. Allele origin: unknown.

NM_001127222.2(CACNA1A):c.1105C>T (p.Arg369Trp)

Gene: CACNA1A (calcium voltage-gated channel subunit alpha1 A; minus strand). Cytogenetic location: 19p13.13.
Variant type: single nucleotide variant.
Coding change: c.1105C>T on transcript NM_001127222.2 (MANE Select); coding-DNA position 1105, C replaced by T.
Protein change: p.Arg369Trp; replaces arginine 369 with tryptophan.
Molecular consequence: missense variant.
Genome position (GRCh38, 1-based): chr19:13,334,471, G>A on the plus strand (C>T on the coding strand, the complement: CACNA1A is on the minus strand). VCF-style: chr19-13334471-G-A. GRCh37 (hg19) VCF-style: chr19-13445285-G-A.
Other names: c.1105C>T, p.Arg369Trp (NM_000068.4, NM_001127221.2, NM_001174080.2 and 1 more transcripts); short protein forms R369W.
Identifiers: ClinVar variation 392363 (VCV000392363.10), dbSNP rs1057524457, ClinGen allele CA16608954.